The following is an entry in ClinVar:

ClinVar aggregate classification (germline): Uncertain significance (1 of 4 stars; one submission).

Submission:

Clinical Genomics Laboratory, Washington University in St. Louis
Classification: Uncertain significance. Last evaluated: 2025-04-25. Review status: criteria provided, single submitter. Criteria: ACMG Guidelines, 2015. Collection method: clinical testing. Allele origin: germline.
Comment: The NAV1 c.5276dup (p.Ile1760Hisfs*2) variant, to our knowledge, has not been reported in the medical literature. This variant is absent from the general population (gnomAD v2.1.1), indicating it is not a common variant. This variant causes a frameshift by Inserting a single nucleotide, leading to a premature termination codon, which is predicted to lead to nonsense-mediated decay. Due to limited information, the clinical significance of this variant is uncertain.

NM_001389617.1(NAV1):c.6137dup (p.Ile2047fs)

Genes: IPO9-AS1 (IPO9 antisense RNA 1; minus strand), NAV1 (neuron navigator 1; plus strand). Cytogenetic location: 1q32.1.
Variant type: Duplication.
Coding change: c.6137dup on transcript NM_001389617.1 (MANE Select); coding-DNA position 6137, one base duplicated (T; older notation c.6137dupT).
Protein change: p.Ile2047fs; shifts the reading frame from isoleucine 2047.
Molecular consequence: frameshift variant.
Genome position (GRCh38, 1-based): chr1:201,813,194, T duplicated; the last of 2 consecutive T bases (chr1:201,813,193-201,813,194); duplicating either gives the same sequence. VCF-style (leftmost placement, unchanged base first): chr1-201813192-G-GT. GRCh37 (hg19) VCF-style: chr1-201782320-G-GT.
Other names: c.4094dup, p.Ile1366fs (NM_001167738.2); c.4103dup, p.Ile1369fs (NM_001389611.1); c.4070dup, p.Ile1358fs (NM_001389612.1); c.3932dup, p.Ile1312fs (NM_001389613.1); c.3899dup, p.Ile1301fs (NM_001389614.1); c.5933dup, p.Ile1979fs (NM_001389615.1); c.5966dup, p.Ile1990fs (NM_001389616.1); c.5276dup, p.Ile1760fs (NM_020443.5); short protein forms I1301fs, I1312fs, I1358fs, I1366fs, I1369fs, I1760fs, I1979fs, I1990fs.
Identifiers: ClinVar variation 4279759 (VCV004279759.1).